The following is an entry in ClinVar:

NM_000019.4(ACAT1):c.421A>T (p.Met141Leu)

Gene: ACAT1 (acetyl-CoA acetyltransferase 1; plus strand). Cytogenetic location: 11q22.3.
Variant type: single nucleotide variant.
Coding change: c.421A>T on transcript NM_000019.4 (MANE Select); coding-DNA position 421, A replaced by T.
Protein change: p.Met141Leu; replaces methionine 141 with leucine.
Molecular consequence: missense variant.
Genome position (GRCh38, 1-based): chr11:108,135,228, A>T. VCF-style: chr11-108135228-A-T. GRCh37 (hg19) VCF-style: chr11-108005955-A-T.
Other names: c.421A>T (NM_000019.3); c.421A>T, p.Met141Leu (LRG_1400t1); short protein forms M141L.
Identifiers: ClinVar variation 623788 (VCV000623788.47), dbSNP rs750876321, ClinGen allele CA6263108.
Genomic context (GRCh38, chr11:108,135,228, plus strand): 5'-ACCATAAACAAAGTTTGTGCTTCAGGAATGAAAGCCATCATGATGGCCTCTCAAAGTCTT[A>T]TGTGTGGACATCAGGTAAGAAACACCGTCCTTCCCATTTATTAATCAGAGTAATACCTAG-3'
Protein context (NP_000010.1, residues 131-151): KAIMMASQSL[Met141Leu]CGHQDVMVAG

ClinVar aggregate classification (germline): Uncertain significance. Review status: criteria provided, multiple submitters, no conflicts (2 of 4 stars). 3 submissions from 3 submitters: Uncertain significance (3). Last evaluated 2024-12-04.

Conditions:
Deficiency of acetyl-CoA acetyltransferase. Also called: MITOCHONDRIAL ACETOACETYL-CoA THIOLASE DEFICIENCY; Beta-ketothiolase deficiency; 3-KETOTHIOLASE DEFICIENCY; 3-OXOTHIOLASE DEFICIENCY. Identifiers: Orphanet 134, MedGen C1536500, MONDO:0008760, OMIM 203750. Disease mechanism: loss of function.
Inborn genetic diseases. Identifiers: MedGen C0950123, MeSH D030342.

Allele frequency attached by ClinVar (database versions not stated): TOPMed below 0.00001; gnomAD exomes 0.00001; ExAC 0.00002.

Submissions (3):

Ambry Genetics
Classification: Uncertain significance for Inborn genetic diseases. Last evaluated: 2024-12-04. Review status: criteria provided, single submitter. Criteria: Ambry Variant Classification Scheme 2023. Collection method: clinical testing. Allele origin: germline.

Labcorp Genetics (formerly Invitae), Labcorp
Classification: Uncertain significance for Deficiency of acetyl-CoA acetyltransferase. Last evaluated: 2021-09-01. Review status: criteria provided, single submitter. Criteria: Invitae Variant Classification Sherloc (09022015). Collection method: clinical testing. Allele origin: germline.
Comment: This sequence change replaces methionine with leucine at codon 141 of the ACAT1 protein (p.Met141Leu). The methionine residue is moderately conserved and there is a small physicochemical difference between methionine and leucine. This variant is present in population databases (rs750876321, ExAC 0.01%). This variant has not been reported in the literature in individuals affected with ACAT1-related conditions. ClinVar contains an entry for this variant (Variation ID: 623788). Advanced modeling of protein sequence and biophysical properties (such as structural, functional, and spatial information, amino acid conservation, physicochemical variation, residue mobility, and thermodynamic stability) performed at Invitae indicates that this missense variant is not expected to disrupt ACAT1 protein function. In summary, the available evidence is currently insufficient to determine the role of this variant in disease. Therefore, it has been classified as a Variant of Uncertain Significance.

CeGaT Center for Human Genetics Tuebingen
Classification: Uncertain significance. Last evaluated: 2018-12-01. Review status: criteria provided, single submitter. Criteria: CeGaT Center For Human Genetics Tuebingen Variant Classification Criteria Version 2. Collection method: clinical testing. Allele origin: germline. Affected: yes. Observed: 3 variant alleles.